The following is an entry in ClinVar:

NM_000548.5(TSC2):c.4597C>T (p.Leu1533Phe)

Gene: TSC2 (TSC complex subunit 2; plus strand). Cytogenetic location: 16p13.3.
Variant type: single nucleotide variant.
Coding change: c.4597C>T on transcript NM_000548.5 (MANE Select); coding-DNA position 4597, C replaced by T.
Protein change: p.Leu1533Phe; replaces leucine 1533 with phenylalanine.
Molecular consequence: missense variant.
Genome position (GRCh38, 1-based): chr16:2,085,257, C>T. VCF-style: chr16-2085257-C-T. GRCh37 (hg19) VCF-style: chr16-2135258-C-T.
Other names: c.4396C>T, p.Leu1466Phe (NM_001077183.3); c.4528C>T, p.Leu1510Phe (NM_001114382.3); c.4288C>T, p.Leu1430Phe (NM_001318827.2); c.4252C>T, p.Leu1418Phe (NM_001318829.2); c.3865C>T, p.Leu1289Phe (NM_001318831.2); c.4429C>T, p.Leu1477Phe (NM_001318832.2); c.4399C>T, p.Leu1467Phe (NM_001363528.2); c.4465C>T, p.Leu1489Phe (NM_001370404.1); and 1 more; short protein forms L1533F, L1430F, L1490F, L1510F, L1289F, L1466F, L1477F, L1418F.
Identifiers: ClinVar variation 572768 (VCV000572768.10), dbSNP rs1567528528, ClinGen allele CA394304571.

ClinVar aggregate classification (germline): Uncertain significance (1 of 4 stars; one submission).

Conditions:
Tuberous sclerosis 2 (TSC2). Identifiers: Orphanet 805, MedGen C1860707, MONDO:0013199, OMIM 613254.

Submission:

Labcorp Genetics (formerly Invitae), Labcorp
Classification: Uncertain significance for Tuberous sclerosis 2. Last evaluated: 2018-06-12. Review status: criteria provided, single submitter. Criteria: Invitae Variant Classification Sherloc (09022015). Collection method: clinical testing. Allele origin: germline.
Comment: Algorithms developed to predict the effect of missense changes on protein structure and function are either unavailable or do not agree on the potential impact of this missense change (SIFT: "Deleterious"; PolyPhen-2: "Probably Damaging"; Align-GVGD: "Class C0"). This sequence change replaces leucine with phenylalanine at codon 1533 of the TSC2 protein (p.Leu1533Phe). The leucine residue is moderately conserved and there is a small physicochemical difference between leucine and phenylalanine. This variant is not present in population databases (ExAC no frequency). This variant has not been reported in the literature in individuals with TSC2-related disease. In summary, the available evidence is currently insufficient to determine the role of this variant in disease. Therefore, it has been classified as a Variant of Uncertain Significance.